The following is an entry in ClinVar:

ClinVar aggregate classification (germline): Pathogenic (1 of 4 stars; one submission).

Conditions:
Hereditary cancer-predisposing syndrome. Also called: Neoplastic Syndromes, Hereditary; Tumor predisposition; Hereditary Cancer Syndrome; Hereditary neoplastic syndrome. Identifiers: Orphanet 140162, MedGen C0027672, MeSH D009386, MONDO:0015356.

Submission:

Ambry Genetics
Classification: Pathogenic for Hereditary cancer-predisposing syndrome. Last evaluated: 2018-01-04. Review status: criteria provided, single submitter. Criteria: Ambry Variant Classification Scheme 2023. Collection method: clinical testing. Allele origin: germline.
Comment: The c.91_101del11insA pathogenic mutation, located in coding exon 1 of the MSH6 gene, results from the deletion of 11 nucleotides and insertion of one nucleotide causing a translational frameshift with a predicted alternate stop codon (p.G31Tfs*47). This alteration is expected to result in loss of function by premature protein truncation or nonsense-mediated mRNA decay. As such, this alteration is interpreted as a disease-causing mutation.

NM_000179.3(MSH6):c.91_101delinsA (p.Gly31fs)

Gene: MSH6 (mutS homolog 6; plus strand). Cytogenetic location: 2p16.3.
Variant type: Indel.
Coding change: c.91_101delinsA on transcript NM_000179.3 (MANE Select); coding-DNA positions 91 to 101, GGCGGCCGTGC replaced by A.
Protein change: p.Gly31fs; shifts the reading frame from glycine 31.
Molecular consequence: frameshift variant. On other transcripts: 5 prime UTR variant (1).
Genome position (GRCh38, 1-based): chr2:47,783,324-47,783,334, GGCGGCCGTGC replaced by A. VCF-style: chr2-47783324-GGCGGCCGTGC-A. GRCh37 (hg19) VCF-style: chr2-48010463-GGCGGCCGTGC-A.
Other names: c.-646_-636delinsA (NM_001281493.2); c.91_101delinsA, p.Gly31fs (NM_001281492.2); c.91_101delGGCGGCCGTGCinsA, p.Gly31Thrfs (NM_001406796.1, NM_001406798.1, NM_001406800.1 and 8 more transcripts); c.-238_-228delGGCGGCCGTGCinsA (NM_001406799.1); c.36_46delGGCGGCCGTGCinsA, p.Ala13Argfs (NM_001406804.1); c.-838_-828delGGCGGCCGTGCinsA (NM_001406807.1); c.-646_-636delGGCGGCCGTGCinsA (NM_001406811.1); c.-493_-483delGGCGGCCGTGCinsA (NM_001406812.1); and 3 more; short protein forms G31fs.
Identifiers: ClinVar variation 1765822 (VCV001765822.2), dbSNP rs2530316549, ClinGen allele CA2580066984.